The following is an entry in ClinVar:

ClinVar aggregate classification (germline): Uncertain significance. Review status: criteria provided, multiple submitters, no conflicts (2 of 4 stars). 2 submissions from 2 submitters: Uncertain significance (2). Last evaluated 2022-09-27.

Conditions:
Cortical dysplasia-focal epilepsy syndrome (PTHSL1). Also called: Pitt-Hopkins-like syndrome 1. Identifiers: Orphanet 163681, Orphanet 221150, MedGen C2750246, MONDO:0012400, OMIM 610042.

Allele frequency attached by ClinVar (database versions not stated): gnomAD exomes below 0.00001; gnomAD 0.00001; TOPMed 0.00001.
gnomAD v4.1: 6 of 1,614,032 alleles (0.00037%); highest among the groups gnomAD compares: Non-Finnish European, 0.00051%; no homozygotes.

Submissions (2):

Labcorp Genetics (formerly Invitae), Labcorp
Classification: Uncertain significance for Cortical dysplasia-focal epilepsy syndrome. Last evaluated: 2022-09-27. Review status: criteria provided, single submitter. Criteria: Invitae Variant Classification Sherloc (09022015). Collection method: clinical testing. Allele origin: germline.
Comment: This sequence change replaces isoleucine, which is neutral and non-polar, with threonine, which is neutral and polar, at codon 133 of the CNTNAP2 protein (p.Ile133Thr). This variant is present in population databases (no rsID available, gnomAD 0.002%). This variant has not been reported in the literature in individuals affected with CNTNAP2-related conditions. ClinVar contains an entry for this variant (Variation ID: 420875). Algorithms developed to predict the effect of missense changes on protein structure and function are either unavailable or do not agree on the potential impact of this missense change (SIFT: "Deleterious"; PolyPhen-2: "Probably Damaging"; Align-GVGD: "Class C0"). In summary, the available evidence is currently insufficient to determine the role of this variant in disease. Therefore, it has been classified as a Variant of Uncertain Significance.

GeneDx
Classification: Uncertain significance. Last evaluated: 2016-04-15. Review status: criteria provided, single submitter. Criteria: GeneDx Variant Classification (06012015). Collection method: clinical testing. Allele origin: germline. Affected: yes.
Comment: A variant of uncertain significance has been identified in the CNTNAP2 gene. The I133T variant has not been published as a pathogenic variant, nor has it been reported as a benign variant to our knowledge. It was not observed in approximately 6,500 individuals of European and African American ancestry in the NHLBI Exome Sequencing Project, indicating it is not a common benign variant in these populations. The I133T variant is a non-conservative amino acid substitution, which is likely to impact secondary protein structure as these residues differ in polarity, charge, size and/or other properties. This substitution occurs at a position where amino acids with similar properties to Isoleucine are tolerated across species. In silico analysis predicts this variant is probably damaging to the protein structure/function. Based on the currently available information, it is unclear whether this variant is a pathogenic variant or a rare benign variant.

NM_014141.6(CNTNAP2):c.398T>C (p.Ile133Thr)

Gene: CNTNAP2 (contactin associated protein 2; plus strand). Cytogenetic location: 7q35.
Variant type: single nucleotide variant.
Coding change: c.398T>C on transcript NM_014141.6 (MANE Select); coding-DNA position 398, T replaced by C.
Protein change: p.Ile133Thr; replaces isoleucine 133 with threonine.
Molecular consequence: missense variant.
Genome position (GRCh38, 1-based): chr7:146,839,900, T>C. VCF-style: chr7-146839900-T-C. GRCh37 (hg19) VCF-style: chr7-146536992-T-C.
Other names: short protein forms I133T.
Identifiers: ClinVar variation 420875 (VCV000420875.9), dbSNP rs935362211, ClinGen allele CA16618372.
Genomic context (GRCh38, chr7:146,839,900, plus strand): 5'-ACCGGATGCTCTACAGCGACACAGGGAGAAACTGGAAACCCTATCATCAAGATGGGAATA[T>C]CTGGGTAAGTCATTGGCAGGAAAGCAAAGACACAGAATTGGATTGGAAATATTAGAAAAT-3'
Protein context (NP_054860.1, residues 123-143): NWKPYHQDGN[Ile133Thr]WAFPGNINSD